The following is an entry in ClinVar:

ClinVar aggregate classification (germline): Uncertain significance (1 of 4 stars; one submission).

Conditions:
Primary ciliary dyskinesia. Also called: Ciliary dyskinesia. Identifiers: Orphanet 244, MedGen C0008780, MONDO:0016575, HP:0012265.

gnomAD v4.1: 4 of 1,411,084 alleles (0.00028%); highest among the groups gnomAD compares: East Asian, 0.0025%; no homozygotes.

Submission:

Ambry Genetics
Classification: Uncertain significance for Primary ciliary dyskinesia. Last evaluated: 2024-05-27. Review status: criteria provided, single submitter. Criteria: Ambry Variant Classification Scheme 2023. Collection method: clinical testing. Allele origin: germline.
Comment: The p.S720I variant (also known as c.2159G>T) is located in coding exon 16 of the CCDC39 gene. The serine at codon 720 is replaced by isoleucine, an amino acid with dissimilar properties. This change occurs in the first base pair of coding exon 16. This amino acid position is conserved. In addition, the in silico prediction for this alteration is inconclusive. Based on the available evidence, the clinical significance of this variant remains unclear.

NM_181426.2(CCDC39):c.2159G>T (p.Ser720Ile)

Gene: CCDC39 (coiled-coil domain 39 molecular ruler complex subunit; minus strand). Cytogenetic location: 3q26.33.
Variant type: single nucleotide variant.
Coding change: c.2159G>T on transcript NM_181426.2 (MANE Select); coding-DNA position 2159, G replaced by T.
Protein change: p.Ser720Ile; replaces serine 720 with isoleucine.
Molecular consequence: missense variant.
Genome position (GRCh38, 1-based): chr3:180,619,365, C>A on the plus strand (G>T on the coding strand, the complement: CCDC39 is on the minus strand). VCF-style: chr3-180619365-C-A. GRCh37 (hg19) VCF-style: chr3-180337153-C-A.
Other names: short protein forms S720I.
Identifiers: ClinVar variation 3264201 (VCV003264201.1).